The following is an entry in ClinVar:

NM_053013.4(ENO3):c.211_212delinsGG (p.Asn71Gly)

Gene: ENO3 (enolase 3; plus strand). Cytogenetic location: 17p13.2.
Variant type: Indel.
Coding change: c.211_212delinsGG on transcript NM_053013.4 (MANE Select); coding-DNA positions 211 to 212, AA replaced by GG.
Protein change: p.Asn71Gly; replaces asparagine 71 with glycine.
Molecular consequence: missense variant. On other transcripts: intron variant (1).
Genome position (GRCh38, 1-based): chr17:4,953,080-4,953,081, AA replaced by GG. VCF-style: chr17-4953080-AA-GG. GRCh37 (hg19) VCF-style: chr17-4856375-AA-GG.
Other names: c.211_212delinsGG, p.Asn71Gly (NM_001374523.1, NM_001976.5); c.238_239delinsGG, p.Asn80Gly (NM_001374524.1); c.181+190_181+191delinsGG (NM_001193503.2); short protein forms N71G, N80G.
Identifiers: ClinVar variation 2152491 (VCV002152491.4), dbSNP rs2507706925, ClinGen allele CA2580093523.

ClinVar aggregate classification (germline): Uncertain significance (1 of 4 stars; one submission).

Conditions:
Glycogen storage disease due to muscle beta-enolase deficiency (GSD13). Also called: ENOLASE 3 DEFICIENCY; ENOLASE-BETA DEFICIENCY; GSD XIII; Glycogen Storage Disease Type XIII. Identifiers: Orphanet 99849, MedGen C2752027, MONDO:0013046, OMIM 612932.

Submission:

Labcorp Genetics (formerly Invitae), Labcorp
Classification: Uncertain significance for Glycogen storage disease due to muscle beta-enolase deficiency. Last evaluated: 2023-06-29. Review status: criteria provided, single submitter. Criteria: Invitae Variant Classification Sherloc (09022015). Collection method: clinical testing. Allele origin: germline.
Comment: This sequence change replaces asparagine, which is neutral and polar, with glycine, which is neutral and non-polar, at codon 71 of the ENO3 protein (p.Asn71Gly). In summary, the available evidence is currently insufficient to determine the role of this variant in disease. Therefore, it has been classified as a Variant of Uncertain Significance. An algorithm developed to predict the effect of missense changes on protein structure and function (PolyPhen-2) suggests that this variant is likely to be tolerated. ClinVar contains an entry for this variant (Variation ID: 2152491). This variant has not been reported in the literature in individuals affected with ENO3-related conditions. The frequency data for this variant in the population databases is considered unreliable, as metrics indicate poor data quality at this position in the gnomAD database.